The following is an entry in ClinVar:

NC_000014.8:g.(67147904_67243181)_(67243240_67291191)del

Gene: GPHN (gephyrin; plus strand). Cytogenetic location: 14q23.3.
Variant type: Deletion.
Identifiers: ClinVar variation 4535629 (VCV004535629.1).

ClinVar aggregate classification (germline): Pathogenic (1 of 4 stars; one submission).

Conditions:
Sulfite oxidase deficiency due to molybdenum cofactor deficiency type C. Also called: Molybdenum cofactor deficiency, complementation group C; Molybdenum cofactor deficiency C. Identifiers: Orphanet 308400, Orphanet 833, MedGen C1854990, MONDO:0014212, OMIM 615501.

Submission:

Women's Health and Genetics/Laboratory Corporation of America, LabCorp
Classification: Pathogenic for Sulfite oxidase deficiency due to molybdenum cofactor deficiency type C. Last evaluated: 2025-09-10. Review status: criteria provided, single submitter. Criteria: LabCorp Variant Classification Summary - May 2015. Collection method: clinical testing. Allele origin: germline.
Comment: Variant summary: The variant involves the deletion of exon 3 in the GPHN gene. This Copy Number Variant (CNV) is expected to alter the reading frame and predicted to result in a truncation or absence of the encoded protein due to nonsense mediated decay (NMD). A presumed nomenclature of c.(143+1_144-1)_(201+1_202-1)del has been designated for the purposes of this classification. The variant was absent in 21694 control chromosomes. To our knowledge, no occurrence of c.(143+1_144-1)_(201+1_202-1)del in individuals affected with GPHN-related conditions and no experimental evidence demonstrating its impact on protein function have been reported. ClinVar contains an entry for this variant (Variation ID: 831947). Based on the evidence outlined above, the variant was classified as pathogenic.